The following is an entry in ClinVar:

NM_001374736.1(DST):c.2537A>C (p.Glu846Ala)

Gene: DST (dystonin; minus strand). Cytogenetic location: 6p12.1.
Variant type: single nucleotide variant.
Coding change: c.2537A>C on transcript NM_001374736.1 (MANE Select); coding-DNA position 2537, A replaced by C.
Protein change: p.Glu846Ala; replaces glutamic acid 846 with alanine.
Molecular consequence: missense variant.
Genome position (GRCh38, 1-based): chr6:56,640,011, T>G on the plus strand (A>C on the coding strand, the complement: DST is on the minus strand). VCF-style: chr6-56640011-T-G. GRCh37 (hg19) VCF-style: chr6-56504809-T-G.
Other names: p.Glu309Ala; c.2438A>C, p.Glu813Ala (NM_001144769.5); c.2024A>C, p.Glu675Ala (NM_001144770.2); c.2537A>C, p.Glu846Ala (NM_001374722.1); c.1904A>C, p.Glu635Ala (NM_001374729.1, NM_001374730.1, NM_001386100.1 and 1 more transcripts); c.2564A>C, p.Glu855Ala (NM_001374734.1); c.926A>C, p.Glu309Ala (NM_001723.7, NM_015548.5); short protein forms E309A, E635A, E675A, E813A, E846A, E855A.
Identifiers: ClinVar variation 2682934 (VCV002682934.1), dbSNP rs1167520807, ClinGen allele CA364578095.

ClinVar aggregate classification (germline): Uncertain significance (1 of 4 stars; one submission).

gnomAD v4.1: 2 of 1,614,096 alleles (0.00012%); highest among the groups gnomAD compares: Non-Finnish European, 0.00017%; no homozygotes.

Submission:

Mayo Clinic Laboratories, Mayo Clinic
Classification: Uncertain significance. Last evaluated: 2023-01-09. Review status: criteria provided, single submitter. Criteria: ACMG Guidelines, 2015. Collection method: clinical testing. Allele origin: germline. Observed: 2 variant alleles.
Comment: PM2